The following continues an entry in ClinVar:

NM_001360016.2(G6PD):c.968T>C (p.Leu323Pro)

Gene: G6PD. ClinVar aggregate classification (germline): Pathogenic/Likely pathogenic. Pathogenic (11); Likely pathogenic (10).

Submissions 10 to 23 of 24:

GeneDx
Classification: Likely pathogenic. Last evaluated: 2025-02-04. Review status: criteria provided, single submitter. Criteria: GeneDx Variant Classification Process June 2021. Collection method: clinical testing. Allele origin: germline. Affected: yes.
Comment: Functional studies demonstrate that p.(L323P) is associated with significantly decreased G6PD activity, stability, and catalytic efficiency; a further decrease in activity is seen when p.(L323P) is co-expressed with p.(N126D) (PMID: 29072585); In silico analysis supports that this missense variant has a deleterious effect on protein structure/function; This variant is associated with the following publications: (PMID: 26738565, 19782058, 22237549, 35685917, 34451395, 32387609, 32702756, 24615128, 21931771, 22009270, 11852882, 27941691, 27267757, 28195434, 25141282, 22963798, 18177777, 12367584, 2633878, 3393536, 2836867, 30206300, 31525211, 30204801, 30409136, 30508000, 30071859, 28067620, 31564435, 33072997, 30755392, 31589614, 36681081, 37432431, 36007526, 31539204, 28902532, 33887194, 7803800, 29072585, 22963789, 21929367, 35313643, 34844289, 35199448, 38258498, 38645242, 25071003, 17611006, 2572288, 23006493, 33637102)

Blueprint Genetics
Classification: Likely pathogenic for G6PD-related disorders. Last evaluated: 2024-10-23. Review status: criteria provided, single submitter. Criteria: ACMG Guidelines, 2015. Collection method: clinical testing. Allele origin: germline. Affected: yes. Observed: 5 variant alleles.

Dunham Lab, University of Washington
Classification: Pathogenic for Anemia, nonspherocytic hemolytic, due to G6PD deficiency. Last evaluated: 2024-09-01. Review status: criteria provided, single submitter. Criteria: ACMG Guidelines, 2015. Collection method: curation. Allele origin: maternal. Affected: yes.
Comment: Below expected carreier frequency in gnomAD (PM2). Predicted to be damaging by a consensus of tools (PP3). Reported as pathogenic by multiple clinical testing groups (PP5). Post_P 0.994 (odds of pathogenicity 1516.9, Prior_P 0.1).

Fulgent Genetics
Classification: Likely pathogenic for Anemia, nonspherocytic hemolytic, due to G6PD deficiency; Malaria, susceptibility to. Last evaluated: 2024-06-18. Review status: criteria provided, single submitter. Criteria: ACMG Guidelines, 2015. Collection method: clinical testing. Allele origin: germline.

Baylor Genetics
Classification: Pathogenic for Malaria, susceptibility to. Last evaluated: 2024-03-18. Review status: criteria provided, single submitter. Criteria: ACMG Guidelines, 2015. Collection method: clinical testing. Allele origin: unknown.

Mayo Clinic Laboratories, Mayo Clinic
Classification: Pathogenic. Last evaluated: 2022-04-19. Review status: criteria provided, single submitter. Criteria: ACMG Guidelines, 2015. Collection method: clinical testing. Allele origin: germline. Observed: 1 variant allele.

ARUP Laboratories, Molecular Genetics and Genomics, ARUP Laboratories
Classification: Pathogenic. Last evaluated: 2022-04-11. Review status: criteria provided, single submitter. Criteria: ARUP Molecular Germline Variant Investigation Process 2021. Collection method: clinical testing. Allele origin: germline.

Johns Hopkins Genomics, Johns Hopkins University
Classification: Likely pathogenic for Anemia, nonspherocytic hemolytic, due to G6PD deficiency. Last evaluated: 2021-09-24. Review status: criteria provided, single submitter. Criteria: ACMG Guidelines, 2015. Collection method: clinical testing. Allele origin: germline.
Comment: c.[376A>G;968T>C] is a complex allele containing two G6PD variants (rs76723693; rs1050829) that are located on the same chromosome (in cis). Each variant has an entry in ClinVar. c.968T>C is rare (<0.1%) in a large population dataset (gnomAD: 127/205036 total alleles, 0.06%, 1 homozygote, 32 hemizygotes), while c.376A>G is polymorphic (3.2%) in most ancestral populations. This complex allele, sometimes referred to as "G6PD Betica-Selma", has been identified in approximately 7% of individuals with G6PD deficiency. In vitro functional studies have shown a reduction in G6PD activity (less than 50% enzyme activity) in cells expressing either c.[376A>G;968T>C] or c.968T>C in isolation. At least one publication reports the c.968T>C variant in isolation in an individual who was affected with neonatal jaundice and hemolytic anemia after ingestion of fava beans. c.376A>G has not been identified in isolation in affected individuals, but may act synergistically with other G6PD variants. Based on the available evidence, we consider this complex allele, which combines c.376A>G and c.968T>C, to be likely pathogenic.

Women's Health and Genetics/Laboratory Corporation of America, LabCorp
Classification: Pathogenic for Anemia, nonspherocytic hemolytic, due to G6PD deficiency. Last evaluated: 2021-04-08. Review status: criteria provided, single submitter. Criteria: LabCorp Variant Classification Summary - May 2015. Collection method: clinical testing. Allele origin: germline.
Comment: Variant summary: G6PD c.1058T>C (p.Leu353Pro) results in a non-conservative amino acid change located in the C-terminal domain (IPR022675) of the encoded protein sequence. This variant has also been reported in the literature as c.968T>C (p.Leu323Pro) in transcript NM_001042351, and has been referred to as G6PD-Nefza. Five of five in-silico tools predict a damaging effect of the variant on protein function. The variant allele was found at a frequency of 0.00053 in 183074 control chromosomes in the gnomAD database, including 1 homozygote. c.1058T>C has been reported in the literature in multiple individuals affected with G6PD Deficiency. In most of these individuals, the variant was found in cis with a second variant in G6PD, c.466A>G (p.Asn156Asp; also known as c.376A>G, p.Asn126Asp) (e.g. Beutler_1989, Xu_1995, Vulliamy_1996, Rodrigues_2002, DeAraujo_2006, Jalloh_2008, Benkerrou_2013, Dijgo_2019). This complex allele [c.466A>G, c.1058T>C] has been referred to as "G6PD Betica or "G6PD Betica-Selma" in the literature. Experimental evidence has reported a reduction in G6PD activity in cells expressing either [c.466A>G, c.1058T>C] or c.1058T>C in isolation. In the same study, c.1058T>C was also shown to significantly reduce affinity for substrates G6P and NADP+ (Ramirez-Nava_2017). At least one publication reports the c.1058T>C variant in isolation in an individual who was diagnosed with hemolytic anemia after ingestion of fava beans (Benmansour_2013). Collectively, these findings indicate that c.1058T>C is very likely to be associated with disease. Six other clinical diagnostic laboratories have submitted clinical-significance assessments for this variant to ClinVar after 2014 without evidence for independent evaluation, citing the variant as pathogenic/likely pathogenic (n=5) and uncertain significance (n=1). Based on the evidence outlined above, the variant was classified as pathogenic.

Mendelics
Classification: Pathogenic for Anemia, nonspherocytic hemolytic, due to G6PD deficiency. Last evaluated: 2019-05-28. Review status: criteria provided, single submitter. Criteria: Mendelics Assertion Criteria 2017. Collection method: clinical testing. Allele origin: unknown.

Illumina Laboratory Services, Illumina
Classification: Likely pathogenic for Glucose 6 phosphate dehydrogenase deficiency. Last evaluated: 2019-01-11. Review status: criteria provided, single submitter. Criteria: ICSL Variant Classification Criteria 09 May 2019. Collection method: clinical testing. Allele origin: germline.
Comment: The G6PD c.968T>C (p.Leu323Pro) variant is a missense variant. Benmansour et al. (2013) reported the variant in a heterozygous state in two individuals with glucose-6-phosphate dehydrogenase (G6PD) deficiency as well as in a hemizygous state in one individual with a measured residual enzyme activity of 51% of wildtype. The p.Leu323Pro variant is commonly referred to as G6PD Nefza. This variant is more commonly reported in cis with another variant, p.Asn126Asp, which is referred to as G6PD A-; this complex allele has been identified in 76/1039 (7%) of individuals with G6PD deficiency (Beutler et al. 1989; Hamel et al. 2002; Monteiro et al. 2014; Reading et al. 2017). The p.Leu323Pro variant is reported at a frequency of 0.009970 in the African population of the 1000 Genomes Project. Functional studies in E. coli demonstrated the p.Leu323Pro variant shows 50% residual activity compared to the wildtype enzyme and results in reduced substrate affinity and G6PD expression (Ramirez-Nava et al. 2017). Importantly, comprehensive studies of the p.Leu323Pro, p.Asn126Asp, and complex alleles suggested the p.Leu323Pro variant was the primary contributor to the alterations in catalytic activity and structural modifications observed for the complex allele. Based on the available evidence, the p.Leu323Pro variant is classified as likely pathogenic for glucose-6-phosphate dehydrogenase deficiency. This variant was observed by ICSL as part of a predisposition screen in an ostensibly healthy population.

Eurofins Ntd Llc (ga)
Classification: Pathogenic. Last evaluated: 2014-02-10. Review status: criteria provided, single submitter. Criteria: EGL Classification Definitions. Collection method: clinical testing. Allele origin: germline. Observed: 6 variant alleles, 2 heterozygotes, 4 hemizygotes.

Reproductive Health Research and Development, BGI Genomics
Classification: Pathogenic for Glucose 6 phosphate dehydrogenase deficiency. Last evaluated: 2020-01-06. Review status: no assertion criteria provided. Collection method: curation. Allele origin: germline. Not counted in ClinVar's aggregate classification.
Comment: NM_001042351.1:c.968T>C in the G6PD gene has an allele frequency of 0.005 in African subpopulation in the gnomAD database. This variant is more commonly reported in cis with another variant, p.Asn126Asp, which is referred to as G6PD A-; this complex allele has been identified in 76/1039 (7%) of individuals with G6PD deficiency (PMID: 2572288; 12367584; 25141282; 28195434). Functional studies demonstrated the p.Leu323Pro has a major contribution to the loss of affinity for both substrates in the double mutant G6PD A- (PMID29072585). Pathogenic computational verdict because 9 pathogenic predictions from DANN, DEOGEN2, FATHMM-MKL, M-CAP, MVP, MutationAssessor, MutationTaster, REVEL and SIFT. Taken together, we interprete this variant as Pathogenic/Likely pathogenic. ACMG/AMP Criteria applied: PS3; PS4; PP4; PP3;

OMIM
Classification: Pathogenic for G6PD A-. Last evaluated: 1988-06-01. Review status: no assertion criteria provided. Collection method: literature only. Allele origin: germline. Not counted in ClinVar's aggregate classification.